The following is an entry in ClinVar:

ClinVar aggregate classification (germline): Uncertain significance. Review status: criteria provided, multiple submitters, no conflicts (2 of 4 stars). 2 submissions from 2 submitters: Uncertain significance (2). Last evaluated 2023-12-12.

Conditions:
Hereditary cancer-predisposing syndrome. Also called: Neoplastic Syndromes, Hereditary; Tumor predisposition; Hereditary neoplastic syndrome; Hereditary Cancer Syndrome. Identifiers: Orphanet 140162, MedGen C0027672, MeSH D009386, MONDO:0015356.
Tuberous sclerosis 1 (TSC1). Identifiers: Orphanet 805, MedGen C1854465, MONDO:0008612, OMIM 191100.

Submissions (2):

Labcorp Genetics (formerly Invitae), Labcorp
Classification: Uncertain significance for Tuberous sclerosis 1. Last evaluated: 2023-12-12. Review status: criteria provided, single submitter. Criteria: Invitae Variant Classification Sherloc (09022015). Collection method: clinical testing. Allele origin: germline.
Comment: This sequence change replaces methionine, which is neutral and non-polar, with arginine, which is basic and polar, at codon 425 of the TSC1 protein (p.Met425Arg). This variant is not present in population databases (gnomAD no frequency). This variant has not been reported in the literature in individuals affected with TSC1-related conditions. ClinVar contains an entry for this variant (Variation ID: 1766287). Advanced modeling of protein sequence and biophysical properties (such as structural, functional, and spatial information, amino acid conservation, physicochemical variation, residue mobility, and thermodynamic stability) performed at Invitae indicates that this missense variant is not expected to disrupt TSC1 protein function with a negative predictive value of 95%. In summary, the available evidence is currently insufficient to determine the role of this variant in disease. Therefore, it has been classified as a Variant of Uncertain Significance.

Ambry Genetics
Classification: Uncertain significance for Hereditary cancer-predisposing syndrome. Last evaluated: 2022-01-10. Review status: criteria provided, single submitter. Criteria: Ambry Variant Classification Scheme 2023. Collection method: clinical testing. Allele origin: germline.
Comment: The p.M425R variant (also known as c.1274T>G), located in coding exon 11 of the TSC1 gene, results from a T to G substitution at nucleotide position 1274. The methionine at codon 425 is replaced by arginine, an amino acid with similar properties. This amino acid position is conserved. In addition, this alteration is predicted to be tolerated by in silico analysis. Since supporting evidence is limited at this time, the clinical significance of this alteration remains unclear.

NM_000368.5(TSC1):c.1274T>G (p.Met425Arg)

Gene: TSC1 (TSC complex subunit 1; minus strand). Cytogenetic location: 9q34.13.
Variant type: single nucleotide variant.
Coding change: c.1274T>G on transcript NM_000368.5 (MANE Select); coding-DNA position 1274, T replaced by G.
Protein change: p.Met425Arg; replaces methionine 425 with arginine.
Molecular consequence: missense variant.
Genome position (GRCh38, 1-based): chr9:132,907,360, A>C on the plus strand (T>G on the coding strand, the complement: TSC1 is on the minus strand). VCF-style: chr9-132907360-A-C. GRCh37 (hg19) VCF-style: chr9-135782747-A-C.
Other names: c.1271T>G, p.Met424Arg (NM_001406600.1, NM_001406603.1, NM_001406604.1 and 6 more transcripts); c.1274T>G, p.Met425Arg (NM_001406601.1, NM_001406602.1, NM_001406605.1 and 7 more transcripts); c.911T>G, p.Met304Arg (NM_001406619.1, NM_001406624.1, NM_001362177.2 and 5 more transcripts); c.908T>G, p.Met303Arg (NM_001406620.1, NM_001406621.1, NM_001406622.1 and 2 more transcripts); c.323T>G, p.Met108Arg (NM_001406626.1); c.320T>G, p.Met107Arg (NM_001406627.1, NM_001406628.1); c.1121T>G, p.Met374Arg (NM_001162427.2, NM_001406610.1); c.1118T>G, p.Met373Arg (NM_001406611.1, NM_001406612.1, NM_001406613.1); and 1 more; short protein forms M425R, M303R, M424R, M107R, M304R, M108R, M373R, M374R.
Identifiers: ClinVar variation 1766287 (VCV001766287.5), dbSNP rs2131882620, ClinGen allele CA375366207.